The following is an entry in ClinVar:

ClinVar aggregate classification (germline): Uncertain significance (1 of 4 stars; one submission).

Conditions:
Cardiovascular phenotype. Identifiers: MedGen CN230736.

Submission:

Ambry Genetics
Classification: Uncertain significance for Cardiovascular phenotype. Last evaluated: 2022-05-28. Review status: criteria provided, single submitter. Criteria: Ambry Variant Classification Scheme 2023. Collection method: clinical testing. Allele origin: germline.
Comment: The p.S30G variant (also known as c.88A>G), located in coding exon 1 of the TBX5 gene, results from an A to G substitution at nucleotide position 88. The serine at codon 30 is replaced by glycine, an amino acid with similar properties. This amino acid position is conserved. In addition, this alteration is predicted to be tolerated by in silico analysis. Since supporting evidence is limited at this time, the clinical significance of this alteration remains unclear.

NM_181486.4(TBX5):c.88A>G (p.Ser30Gly)

Gene: TBX5 (T-box transcription factor 5; minus strand). Cytogenetic location: 12q24.21.
Variant type: single nucleotide variant.
Coding change: c.88A>G on transcript NM_181486.4 (MANE Select); coding-DNA position 88, A replaced by G.
Protein change: p.Ser30Gly; replaces serine 30 with glycine.
Molecular consequence: missense variant. On other transcripts: intron variant (1).
Genome position (GRCh38, 1-based): chr12:114,403,811, T>C on the plus strand (A>G on the coding strand, the complement: TBX5 is on the minus strand). VCF-style: chr12-114403811-T-C. GRCh37 (hg19) VCF-style: chr12-114841616-T-C.
Other names: c.88A>G, p.Ser30Gly (NM_000192.3); c.-3-1891A>G (NM_080717.4); short protein forms S30G.
Identifiers: ClinVar variation 1765029 (VCV001765029.2), dbSNP rs2540477713, ClinGen allele CA386863529.
Genomic context (GRCh38, chr12:114,403,811, plus strand): 5'-CCTGCTGGGTGAAGGCGGCCTGCGGGGACGACGGGGACTTGCTGGGGGCCCCGAGCGCGC[T>C]CTCGGGTTTCGAATCGCAGGGCAGGTCTTTTGCGTCAGGCTCCAGAGGCGTGTGCGCCAG-3'
Protein context (NP_852259.1, residues 20-40): KDLPCDSKPE[Ser30Gly]ALGAPSKSPS